The following is an entry in ClinVar:

NM_014946.4(SPAST):c.1513_1528del (p.Tyr505fs)

Gene: SPAST (spastin; plus strand). Cytogenetic location: 2p22.3.
Variant type: Deletion.
Coding change: c.1513_1528del on transcript NM_014946.4 (MANE Select); coding-DNA positions 1513 to 1528, 16 bases deleted (TATGTGTCTTTACCAA).
Protein change: p.Tyr505fs; shifts the reading frame from tyrosine 505.
Molecular consequence: frameshift variant.
Genome position (GRCh38, 1-based): chr2:32,141,923-32,141,938, TATGTGTCTTTACCAA deleted; deleting any 16 consecutive bases within chr2:32,141,922-32,141,938 gives the same sequence; the c. name uses the placement nearest the transcript's 3' end. VCF-style (leftmost placement, unchanged base first): chr2-32141921-TATATGTGTCTTTACCA-T. GRCh37 (hg19) VCF-style: chr2-32366990-TATATGTGTCTTTACCA-T.
Other names: c.1510_1525del, p.Tyr504fs (NM_001363823.2); c.1414_1429del, p.Tyr472fs (NM_001363875.2); c.1417_1432del, p.Tyr473fs (NM_001377959.1, NM_199436.2); c.1513_1528del16 (NM_014946.4); short protein forms Y472fs, Y473fs, Y504fs, Y505fs.
Identifiers: ClinVar variation 3366650 (VCV003366650.1).

ClinVar aggregate classification (germline): Likely pathogenic (1 of 4 stars; one submission).

Conditions:
Hereditary spastic paraplegia 4. Also called: Spastic paraplegia 4, autosomal dominant; Familial spastic paraplegia autosomal dominant 2; Spastic Paraplegia 4. Identifiers: Orphanet 100985, MedGen C1866855, MONDO:0008438, OMIM 182601.

Submission:

Women's Health and Genetics/Laboratory Corporation of America, LabCorp
Classification: Likely pathogenic for Hereditary spastic paraplegia 4. Last evaluated: 2024-08-22. Review status: criteria provided, single submitter. Criteria: LabCorp Variant Classification Summary - May 2015. Collection method: clinical testing. Allele origin: germline.
Comment: Variant summary: SPAST c.1513_1528del16 (p.Tyr505MetfsX20) results in a premature termination codon, predicted to cause a truncation of the encoded protein or absence of the protein due to nonsense mediated decay, which are commonly known mechanisms for disease. The variant was absent in 250998 control chromosomes. To our knowledge, no occurrence of c.1513_1528del16 in individuals affected with Spastic Paraplegia 4, Autosomal Dominant and no experimental evidence demonstrating its impact on protein function have been reported. No submitters have cited clinical-significance assessments for this variant to ClinVar. Based on the evidence outlined above, the variant was classified as likely pathogenic.